The following is an entry in ClinVar:

NM_002661.5(PLCG2):c.1381C>T (p.Arg461Ter)

Gene: PLCG2 (phospholipase C gamma 2; plus strand). Cytogenetic location: 16q23.3.
Variant type: single nucleotide variant.
Coding change: c.1381C>T on transcript NM_002661.5 (MANE Select); coding-DNA position 1381, C replaced by T.
Protein change: p.Arg461Ter; replaces arginine 461 with a stop codon.
Molecular consequence: nonsense.
Genome position (GRCh38, 1-based): chr16:81,905,421, C>T. VCF-style: chr16-81905421-C-T. GRCh37 (hg19) VCF-style: chr16-81939026-C-T.
Other names: short protein forms R461*.
Identifiers: ClinVar variation 1491605 (VCV001491605.4), dbSNP rs778484571, ClinGen allele CA8193741.

ClinVar aggregate classification (germline): Uncertain significance (1 of 4 stars; one submission).

Conditions:
Familial cold autoinflammatory syndrome 3 (FCAS3). Also called: ANTIBODY DEFICIENCY AND IMMUNE DYSREGULATION, PLCG2-ASSOCIATED; FAMILIAL ATYPICAL COLD URTICARIA. Identifiers: Orphanet 300359, MedGen C3280914, MONDO:0013766, OMIM 614468.

Allele frequency attached by ClinVar (database versions not stated): gnomAD 0.00002; gnomAD exomes 0.00002 and 0.00006; ExAC 0.00003; TOPMed 0.00005.
gnomAD v4.1: 90 of 1,613,776 alleles (0.0056%); highest among the groups gnomAD compares: Non-Finnish European, 0.0071%; no homozygotes.

Submission:

Labcorp Genetics (formerly Invitae), Labcorp
Classification: Uncertain significance for Familial cold autoinflammatory syndrome 3. Last evaluated: 2022-03-07. Review status: criteria provided, single submitter. Criteria: Invitae Variant Classification Sherloc (09022015). Collection method: clinical testing. Allele origin: germline.
Comment: This sequence change creates a premature translational stop signal (p.Arg461*) in the PLCG2 gene. It is expected to result in an absent or disrupted protein product. However, the current clinical and genetic evidence is not sufficient to establish whether loss-of-function variants in PLCG2 cause disease. This variant is present in population databases (rs778484571, gnomAD 0.005%). This variant has not been reported in the literature in individuals affected with PLCG2-related conditions. In summary, the available evidence is currently insufficient to determine the role of this variant in disease. Therefore, it has been classified as a Variant of Uncertain Significance.